The following is an entry in ClinVar:

ClinVar aggregate classification (germline): Pathogenic (1 of 4 stars; one submission).

Submission:

Labcorp Genetics (formerly Invitae), Labcorp
Classification: Pathogenic. Last evaluated: 2022-09-06. Review status: criteria provided, single submitter. Criteria: Invitae Variant Classification Sherloc (09022015). Collection method: clinical testing. Allele origin: germline.
Comment: This sequence change creates a premature translational stop signal (p.Val179Glyfs*5) in the RUNX2 gene. It is expected to result in an absent or disrupted protein product. Loss-of-function variants in RUNX2 are known to be pathogenic (PMID: 10521292, 11857736). This variant is not present in population databases (gnomAD no frequency). This variant has not been reported in the literature in individuals affected with RUNX2-related conditions. For these reasons, this variant has been classified as Pathogenic.

Literature cited by the submitters: PubMed 10521292; PubMed 11857736.

NM_001024630.4(RUNX2):c.536_542del (p.Val179fs)

Gene: RUNX2 (RUNX family transcription factor 2; plus strand). Cytogenetic location: 6p21.1.
Variant type: Deletion.
Coding change: c.536_542del on transcript NM_001024630.4 (MANE Select); coding-DNA positions 536 to 542, 7 bases deleted (TAGCAAG; older notation c.536_542delTAGCAAG).
Protein change: p.Val179fs; shifts the reading frame from valine 179.
Molecular consequence: frameshift variant.
Genome position (GRCh38, 1-based): chr6:45,431,975-45,431,981, TAGCAAG deleted; deleting any 7 consecutive bases within chr6:45,431,971-45,431,981 gives the same sequence; the c. name uses the placement nearest the transcript's 3' end. VCF-style (leftmost placement, unchanged base first): chr6-45431970-CCAAGTAG-C. GRCh37 (hg19) VCF-style: chr6-45399707-CCAAGTAG-C.
Other names: c.536_542del, p.Val179fs (NM_001015051.4); c.494_500del, p.Val165fs (NM_001278478.2, NM_001369405.1); c.494_500delTAGCAAG, p.Val165Glyfs (NM_004348.3); short protein forms V165fs, V179fs.
Identifiers: ClinVar variation 2029154 (VCV002029154.4), dbSNP rs2548589234, ClinGen allele CA2580074682.